The following is an entry in ClinVar:

NM_001368397.1(FRMPD4):c.3438A>C (p.Gln1146His)

Gene: FRMPD4 (FERM and PDZ domain containing 4; plus strand). Cytogenetic location: Xp22.2.
Variant type: single nucleotide variant.
Coding change: c.3438A>C on transcript NM_001368397.1 (MANE Select); coding-DNA position 3438, A replaced by C.
Protein change: p.Gln1146His; replaces glutamine 1146 with histidine.
Molecular consequence: missense variant.
Genome position (GRCh38, 1-based): chrX:12,718,264, A>C. VCF-style: chrX-12718264-A-C. GRCh37 (hg19) VCF-style: chrX-12736383-A-C.
Other names: c.3549A>C, p.Gln1183His (NM_001368395.3, NM_001368398.3); c.3444A>C, p.Gln1148His (NM_001368396.3); c.3429A>C, p.Gln1143His (NM_001368399.3); c.3318A>C, p.Gln1106His (NM_001368400.3); c.3414A>C, p.Gln1138His (NM_001368401.1, NM_001368402.3); c.3438A>C, p.Gln1146His (NM_014728.3); short protein forms Q1106H, Q1146H, Q1183H, Q1148H, Q1138H, Q1143H.
Identifiers: ClinVar variation 724285 (VCV000724285.7), dbSNP rs139151624, ClinGen allele CA10349601.
Genomic context (GRCh38, chrX:12,718,264, plus strand): 5'-CGAAGGGAAGGAAGAAGGAGCTCCTGATGGAGAAACCAGTGATGGCTCAGGACTTGGTCA[A>C]GGGGACCGCTTCTTAACTGACGTGACCTGTGCATCTTCAGCCAAAGACTTAGATAACCCA-3'
Protein context (NP_001355326.1, residues 1136-1156): GETSDGSGLG[Gln1146His]GDRFLTDVTC

ClinVar aggregate classification (germline): Likely benign. Review status: criteria provided, single submitter (1 of 4 stars). 4 submissions from 4 submitters: Likely benign (1). 3 of the submissions do not count toward it. Last evaluated 2018-03-29.

Conditions:
FRMPD4-related disorder. Also called: FRMPD4-related condition.

Allele frequency attached by ClinVar (database versions not stated): TOPMed 0.00030; gnomAD 0.00042; ESP Exome Variant Server 0.00047; gnomAD exomes 0.00058; 1000 Genomes Project 30x 0.00062; ExAC 0.00066; 1000 Genomes Project 0.00079.
gnomAD v4.1: 535 of 1,210,191 alleles (0.044%); highest among the groups gnomAD compares: Non-Finnish European, 0.046%; no homozygotes.

Submissions (4):

Labcorp Genetics (formerly Invitae), Labcorp
Classification: Likely benign. Last evaluated: 2018-03-29. Review status: criteria provided, single submitter. Criteria: Invitae Variant Classification Sherloc (09022015). Collection method: clinical testing. Allele origin: germline.

PreventionGenetics, part of Exact Sciences
Classification: Likely benign for FRMPD4-related condition. Last evaluated: 2020-01-27. Review status: no assertion criteria provided. Collection method: clinical testing. Allele origin: germline. Not counted in ClinVar's aggregate classification.
Comment: This variant is classified as likely benign based on ACMG/AMP sequence variant interpretation guidelines (Richards et al. 2015 PMID: 25741868, with internal and published modifications).

Clinical Genetics DNA and cytogenetics Diagnostics Lab, Erasmus MC, Erasmus Medical Center
Classification: Likely benign. Review status: no assertion criteria provided. Collection method: clinical testing. Allele origin: germline. Affected: yes. Study: VKGL Data-share Consensus. Not counted in ClinVar's aggregate classification.

Laboratory of Diagnostic Genome Analysis, Leiden University Medical Center (LUMC)
Classification: Likely benign. Review status: no assertion criteria provided. Collection method: clinical testing. Allele origin: germline. Affected: yes. Study: VKGL Data-share Consensus. Not counted in ClinVar's aggregate classification.